The following is an entry in ClinVar:

NM_019066.5(MAGEL2):c.739G>A (p.Val247Ile)

Gene: MAGEL2 (MAGE family member L2; minus strand). Cytogenetic location: 15q11.2.
Variant type: single nucleotide variant.
Coding change: c.739G>A on transcript NM_019066.5 (MANE Select); coding-DNA position 739, G replaced by A.
Protein change: p.Val247Ile; replaces valine 247 with isoleucine.
Molecular consequence: missense variant.
Genome position (GRCh38, 1-based): chr15:23,647,004, C>T on the plus strand (G>A on the coding strand, the complement: MAGEL2 is on the minus strand). VCF-style: chr15-23647004-C-T. GRCh37 (hg19) VCF-style: chr15-23892151-C-T.
Other names: short protein forms V247I.
Identifiers: ClinVar variation 3376867 (VCV003376867.1).

ClinVar aggregate classification (germline): Uncertain significance (1 of 4 stars; one submission).

Conditions:
Schaaf-Yang syndrome (SHFYNG). Also called: Arthrogryposis, distal, with hypopituitarism, intellectual disability, and facial anomalies; MAGEL2-related Prader-Willi-like syndrome. Identifiers: Orphanet 398069, MedGen C5575066, MONDO:0014243, OMIM 615547.

gnomAD v4.1: 1 of 1,536,866 alleles (0.000065%); highest among the groups gnomAD compares: Non-Finnish European, 0.000087%; no homozygotes.

Submission:

Victorian Clinical Genetics Services, Murdoch Childrens Research Institute
Classification: Uncertain significance for Schaaf-Yang syndrome. Last evaluated: 2020-05-21. Review status: criteria provided, single submitter. Criteria: ACMG Guidelines, 2015. Collection method: clinical testing. Allele origin: germline.
Comment: Based on the classification scheme VCGS_Germline_v1.1.1, this variant is classified as 3B-VUS. Following criteria are met: 0102 - Loss-of-function is a known mechanism of disease for this gene. (N) 0107 - This gene is known to be associated with autosomal dominant disease. (N) 0113 - This gene is known to be imprinted (OMIM). (N) 0200 - Variant is predicted to result in a missense amino acid change from valine to isoleucine (exon 1). (N) 0251 - Variant is heterozygous. (N) 0301 - Variant is absent from gnomAD. (P) 0502 - Missense variant with conflicting in silico predictions and/or uninformative conservation. (N) 0604 - Variant is not located in an established domain, motif, hotspot or informative constraint region. (N) 0705 - No comparable variants have previous evidence for pathogenicity. (N) 0807 - Variant has not previously been reported in a clinical context. (N) 0905 - No segregation evidence has been identified for this variant. (N) 1007 - No published functional evidence has been identified for this variant. (N) 1208 - Inheritance information for this variant is not currently available. (N) Legend: (P) - Pathogenic, (N) - Neutral, (B) - Benign